The following is an entry in ClinVar:

ClinVar aggregate classification (germline): Conflicting classifications of pathogenicity. Review status: criteria provided, conflicting classifications (1 of 4 stars). 2 submissions from 2 submitters: Uncertain significance (1); Likely benign (1). Last evaluated 2025-07-10.

Allele frequency attached by ClinVar (database versions not stated): gnomAD 0.00003 and 0.00004; gnomAD exomes 0.00003 and 0.00012; TOPMed 0.00011; ExAC 0.00013.
gnomAD v4.1: 43 of 1,614,106 alleles (0.0027%); highest among the groups gnomAD compares: Admixed American, 0.055%; no homozygotes.

Submissions (2):

Labcorp Genetics (formerly Invitae), Labcorp
Classification: Likely benign. Last evaluated: 2025-07-10. Review status: criteria provided, single submitter. Criteria: Invitae Variant Classification Sherloc (09022015). Collection method: clinical testing. Allele origin: germline.

ARUP Laboratories, Molecular Genetics and Genomics, ARUP Laboratories
Classification: Uncertain significance. Last evaluated: 2025-02-26. Review status: criteria provided, single submitter. Criteria: ARUP Molecular Germline Variant Investigation Process 2024. Collection method: clinical testing. Allele origin: germline.
Comment: The CANT1 c.559G>A; p.Val187Ile variant (rs748089228), to our knowledge, is not reported in the medical literature but is reported in ClinVar (Variation ID: 1377972). This variant is found in the general population with an overall allele frequency of 0.01% (31/282,854 alleles) in the Genome Aggregation Database (v2.1.1). Computational analyses are uncertain whether this variant is neutral or deleterious (REVEL: 0.179). Due to limited information, the clinical significance of this variant is uncertain at this time.

NM_001159773.2(CANT1):c.559G>A (p.Val187Ile)

Gene: CANT1 (calcium activated nucleotidase 1; minus strand). Cytogenetic location: 17q25.3.
Variant type: single nucleotide variant.
Coding change: c.559G>A on transcript NM_001159773.2 (MANE Select); coding-DNA position 559, G replaced by A.
Protein change: p.Val187Ile; replaces valine 187 with isoleucine.
Molecular consequence: missense variant.
Genome position (GRCh38, 1-based): chr17:78,997,064, C>T on the plus strand (G>A on the coding strand, the complement: CANT1 is on the minus strand). VCF-style: chr17-78997064-C-T. GRCh37 (hg19) VCF-style: chr17-76993146-C-T.
Other names: c.559G>A, p.Val187Ile (NM_001159772.2, NM_138793.4); short protein forms V187I.
Identifiers: ClinVar variation 1377972 (VCV001377972.8), dbSNP rs748089228, ClinGen allele CA8808707.